The following is an entry in ClinVar:

ClinVar aggregate classification (germline): Uncertain significance (1 of 4 stars; one submission).

Conditions:
Glycogen storage disease XV (GSD15). Also called: GLYCOGENIN DEFICIENCY; GSD XV. Identifiers: Orphanet 263297, MedGen C3150754, MONDO:0013291, OMIM 613507.
Polyglucosan body myopathy type 2. Identifiers: Orphanet 456369, MedGen C4015452, MONDO:0014526, OMIM 616199.

Allele frequency attached by ClinVar (database versions not stated): ExAC 0.00005; gnomAD exomes 0.00008 and 0.00016; TOPMed 0.00009; gnomAD 0.00012 and 0.00013; ESP Exome Variant Server 0.00031.
gnomAD v4.1: 253 of 1,613,816 alleles (0.016%); highest among the groups gnomAD compares: Non-Finnish European, 0.021%; no homozygotes.

Submission:

Labcorp Genetics (formerly Invitae), Labcorp
Classification: Uncertain significance for Polyglucosan body myopathy type 2; Glycogen storage disease XV. Last evaluated: 2022-08-13. Review status: criteria provided, single submitter. Criteria: Invitae Variant Classification Sherloc (09022015). Collection method: clinical testing. Allele origin: germline.
Comment: This sequence change replaces tyrosine, which is neutral and polar, with cysteine, which is neutral and slightly polar, at codon 95 of the GYG1 protein (p.Tyr95Cys). This variant is present in population databases (rs139797816, gnomAD 0.02%). This variant has not been reported in the literature in individuals affected with GYG1-related conditions. ClinVar contains an entry for this variant (Variation ID: 1524523). Algorithms developed to predict the effect of missense changes on protein structure and function (SIFT, PolyPhen-2, Align-GVGD) all suggest that this variant is likely to be disruptive. In summary, the available evidence is currently insufficient to determine the role of this variant in disease. Therefore, it has been classified as a Variant of Uncertain Significance.

NM_004130.4(GYG1):c.284A>G (p.Tyr95Cys)

Gene: GYG1 (glycogenin 1; plus strand). Cytogenetic location: 3q24.
Variant type: single nucleotide variant.
Coding change: c.284A>G on transcript NM_004130.4 (MANE Select); coding-DNA position 284, A replaced by G.
Protein change: p.Tyr95Cys; replaces tyrosine 95 with cysteine.
Molecular consequence: missense variant.
Genome position (GRCh38, 1-based): chr3:148,996,442, A>G. VCF-style: chr3-148996442-A-G. GRCh37 (hg19) VCF-style: chr3-148714229-A-G.
Other names: c.284A>G, p.Tyr95Cys (NM_001184720.2, NM_001184721.2); short protein forms Y95C.
Identifiers: ClinVar variation 1524523 (VCV001524523.5), dbSNP rs139797816, ClinGen allele CA2658505.